The following is an entry in ClinVar:

NM_020964.3(EPG5):c.2232C>T (p.Pro744=)

Gene: EPG5 (ectopic P-granules 5 autophagy tethering factor; minus strand). Cytogenetic location: 18q21.1.
Variant type: single nucleotide variant.
Coding change: c.2232C>T on transcript NM_020964.3 (MANE Select); coding-DNA position 2232, C replaced by T.
Protein change: p.Pro744=; no amino-acid change (proline 744 retained).
Molecular consequence: synonymous variant.
Genome position (GRCh38, 1-based): chr18:45,934,834, G>A on the plus strand (C>T on the coding strand, the complement: EPG5 is on the minus strand). VCF-style: chr18-45934834-G-A. GRCh37 (hg19) VCF-style: chr18-43514800-G-A.
Identifiers: ClinVar variation 1567693 (VCV001567693.23), dbSNP rs373389232, ClinGen allele CA8949486.

ClinVar aggregate classification (germline): Likely benign. Review status: criteria provided, multiple submitters, no conflicts (2 of 4 stars). 3 submissions from 3 submitters: Likely benign (3). Last evaluated 2026-01-25.

Conditions:
Vici syndrome (VICIS). Identifiers: Orphanet 1493, MedGen C1855772, MONDO:0009452, OMIM 242840.

Allele frequency attached by ClinVar (database versions not stated): gnomAD 0.00003 and 0.00004; gnomAD exomes 0.00006; TOPMed 0.00006; ESP Exome Variant Server 0.00008; ExAC 0.00010.
gnomAD v4.1: 107 of 1,613,818 alleles (0.0066%); highest among the groups gnomAD compares: Middle Eastern, 0.016%; no homozygotes.

Submissions (3):

Labcorp Genetics (formerly Invitae), Labcorp
Classification: Likely benign for Vici syndrome. Last evaluated: 2026-01-25. Review status: criteria provided, single submitter. Criteria: Invitae Variant Classification Sherloc (09022015). Collection method: clinical testing. Allele origin: germline.

CeGaT Center for Human Genetics Tuebingen
Classification: Likely benign. Last evaluated: 2025-02-01. Review status: criteria provided, single submitter. Criteria: CeGaT Center For Human Genetics Tuebingen Variant Classification Criteria Version 2. Collection method: clinical testing. Allele origin: germline. Affected: yes. Observed: 1 variant allele.
Comment: EPG5: BP4, BP7

Blueprint Genetics
Classification: Likely benign. Last evaluated: 2022-05-27. Review status: criteria provided, single submitter. Criteria: ACMG Guidelines, 2015. Collection method: clinical testing. Allele origin: germline.